The following is an entry in ClinVar:

NM_004285.4(H6PD):c.326G>A (p.Arg109His)

Gene: H6PD (hexose-6-phosphate dehydrogenase/glucose 1-dehydrogenase; plus strand). Cytogenetic location: 1p36.22.
Variant type: single nucleotide variant.
Coding change: c.326G>A on transcript NM_004285.4 (MANE Select); coding-DNA position 326, G replaced by A.
Protein change: p.Arg109His; replaces arginine 109 with histidine.
Molecular consequence: missense variant.
Genome position (GRCh38, 1-based): chr1:9,245,260, G>A. VCF-style: chr1-9245260-G-A. GRCh37 (hg19) VCF-style: chr1-9305319-G-A.
Other names: c.359G>A, p.Arg120His (NM_001282587.2); c.326G>A (NM_004285.3); short protein forms R120H, R109H.
Identifiers: ClinVar variation 1390033 (VCV001390033.9), dbSNP rs752399331, ClinGen allele CA574915.
Genomic context (GRCh38, chr1:9,245,260, plus strand): 5'-ACATGGCACCCAGTCACTGTGCAGAGCACAAGGATCAGTTCCTGCAGCTGAGCCAGTACC[G>A]CCAACTGAAGACGGCCGAGGACTATCAGGCCCTGAACAAGGACATCGAGGCACAGCTCCA-3'
Protein context (NP_004276.2, residues 99-119): KDQFLQLSQY[Arg109His]QLKTAEDYQA

ClinVar aggregate classification (germline): Uncertain significance. Review status: criteria provided, multiple submitters, no conflicts (2 of 4 stars). 2 submissions from 2 submitters: Uncertain significance (2). Last evaluated 2022-08-17.

Conditions:
Inborn genetic diseases. Identifiers: MedGen C0950123, MeSH D030342.

Allele frequency attached by ClinVar (database versions not stated): gnomAD exomes 0.00001 and 0.00002; gnomAD 0.00002; ExAC 0.00003; TOPMed 0.00003.
gnomAD v4.1: 13 of 1,614,014 alleles (0.00081%); highest among the groups gnomAD compares: Admixed American, 0.0067%; no homozygotes.

Submissions (2):

Ambry Genetics
Classification: Uncertain significance for Inborn genetic diseases. Last evaluated: 2022-08-17. Review status: criteria provided, single submitter. Criteria: Ambry Variant Classification Scheme 2023. Collection method: clinical testing. Allele origin: germline.

Labcorp Genetics (formerly Invitae), Labcorp
Classification: Uncertain significance. Last evaluated: 2021-04-21. Review status: criteria provided, single submitter. Criteria: Invitae Variant Classification Sherloc (09022015). Collection method: clinical testing. Allele origin: germline.
Comment: Algorithms developed to predict the effect of missense changes on protein structure and function output the following: SIFT: "Tolerated"; PolyPhen-2: "Benign"; Align-GVGD: "Class C0". The histidine amino acid residue is found in multiple mammalian species, suggesting that this missense change does not adversely affect protein function. These predictions have not been confirmed by published functional studies and their clinical significance is uncertain. In summary, the available evidence is currently insufficient to determine the role of this variant in disease. Therefore, it has been classified as a Variant of Uncertain Significance. This variant has not been reported in the literature in individuals with H6PD-related conditions. This variant is present in population databases (rs752399331, ExAC 0.02%). This sequence change replaces arginine with histidine at codon 109 of the H6PD protein (p.Arg109His). The arginine residue is moderately conserved and there is a small physicochemical difference between arginine and histidine.